The following is an entry in ClinVar:

ClinVar aggregate classification (germline): Uncertain significance (1 of 4 stars; one submission).

gnomAD v4.1: 1 of 1,613,316 alleles (0.000062%); highest among the groups gnomAD compares: South Asian, 0.0011%; no homozygotes.

Submission:

Labcorp Genetics (formerly Invitae), Labcorp
Classification: Uncertain significance. Last evaluated: 2023-08-04. Review status: criteria provided, single submitter. Criteria: Invitae Variant Classification Sherloc (09022015). Collection method: clinical testing. Allele origin: germline.
Comment: This sequence change replaces arginine, which is basic and polar, with glycine, which is neutral and non-polar, at codon 2064 of the DCHS1 protein (p.Arg2064Gly). In summary, the available evidence is currently insufficient to determine the role of this variant in disease. Therefore, it has been classified as a Variant of Uncertain Significance. Advanced modeling of protein sequence and biophysical properties (such as structural, functional, and spatial information, amino acid conservation, physicochemical variation, residue mobility, and thermodynamic stability) performed at Invitae indicates that this missense variant is not expected to disrupt DCHS1 protein function. ClinVar contains an entry for this variant (Variation ID: 1474029). This variant has not been reported in the literature in individuals affected with DCHS1-related conditions. This variant is not present in population databases (gnomAD no frequency).

NM_003737.4(DCHS1):c.6190C>G (p.Arg2064Gly)

Gene: DCHS1 (dachsous cadherin-related 1; minus strand). Cytogenetic location: 11p15.4.
Variant type: single nucleotide variant.
Coding change: c.6190C>G on transcript NM_003737.4 (MANE Select); coding-DNA position 6190, C replaced by G.
Protein change: p.Arg2064Gly; replaces arginine 2064 with glycine.
Molecular consequence: missense variant.
Genome position (GRCh38, 1-based): chr11:6,626,849, G>C on the plus strand (C>G on the coding strand, the complement: DCHS1 is on the minus strand). VCF-style: chr11-6626849-G-C. GRCh37 (hg19) VCF-style: chr11-6648080-G-C.
Other names: short protein forms R2064G.
Identifiers: ClinVar variation 1474029 (VCV001474029.6), dbSNP rs752852456, ClinGen allele CA379388859.